The following is an entry in ClinVar:

ClinVar aggregate classification (germline): Uncertain significance (1 of 4 stars; one submission).

Conditions:
Hyperekplexia 3 (HKPX3). Also called: HYPEREKPLEXIA 3, AUTOSOMAL RECESSIVE; HYPEREKPLEXIA 3, AUTOSOMAL DOMINANT. Identifiers: Orphanet 3197, MedGen C3553288, MONDO:0013827, OMIM 614618.

Allele frequency attached by ClinVar (database versions not stated): gnomAD 0.00001; TOPMed 0.00001; gnomAD exomes 0.00003.

Submission:

Labcorp Genetics (formerly Invitae), Labcorp
Classification: Uncertain significance for Hyperekplexia 3. Last evaluated: 2022-06-20. Review status: criteria provided, single submitter. Criteria: Invitae Variant Classification Sherloc (09022015). Collection method: clinical testing. Allele origin: germline.
Comment: In summary, the available evidence is currently insufficient to determine the role of this variant in disease. Therefore, it has been classified as a Variant of Uncertain Significance. Advanced modeling of protein sequence and biophysical properties (such as structural, functional, and spatial information, amino acid conservation, physicochemical variation, residue mobility, and thermodynamic stability) performed at Invitae indicates that this missense variant is not expected to disrupt SLC6A5 protein function. This variant has not been reported in the literature in individuals affected with SLC6A5-related conditions. This variant is present in population databases (no rsID available, gnomAD 0.02%). This sequence change replaces proline, which is neutral and non-polar, with alanine, which is neutral and non-polar, at codon 109 of the SLC6A5 protein (p.Pro109Ala).

NM_004211.5(SLC6A5):c.325C>G (p.Pro109Ala)

Gene: SLC6A5 (solute carrier family 6 member 5; plus strand). Cytogenetic location: 11p15.1.
Variant type: single nucleotide variant.
Coding change: c.325C>G on transcript NM_004211.5 (MANE Select); coding-DNA position 325, C replaced by G.
Protein change: p.Pro109Ala; replaces proline 109 with alanine.
Molecular consequence: missense variant. On other transcripts: 5 prime UTR variant (1).
Genome position (GRCh38, 1-based): chr11:20,601,450, C>G. VCF-style: chr11-20601450-C-G. GRCh37 (hg19) VCF-style: chr11-20622996-C-G.
Other names: c.-239C>G (NM_001318369.2); short protein forms P109A.
Identifiers: ClinVar variation 1446367 (VCV001446367.6), dbSNP rs905521470, ClinGen allele CA218722546.